The following is an entry in ClinVar:

ClinVar aggregate classification (germline): Likely benign. Review status: criteria provided, multiple submitters, no conflicts (2 of 4 stars). 2 submissions from 2 submitters: Likely benign (2). Last evaluated 2023-09-19.

Conditions:
Neuronopathy, distal hereditary motor, autosomal recessive 4. Also called: NEUROPATHY, DISTAL HEREDITARY MOTOR, AUTOSOMAL RECESSIVE 4; Autosomal recessive lower motor neuron disease with childhood onset. Identifiers: Orphanet 206580, MedGen C1970211, MONDO:0012608, OMIM 611067.
Charcot-Marie-Tooth disease recessive intermediate C. Also called: CHARCOT-MARIE-TOOTH NEUROPATHY, RECESSIVE INTERMEDIATE C. Identifiers: Orphanet 369867, MedGen C3809309, MONDO:0014154, OMIM 615376.

Allele frequency attached by ClinVar (database versions not stated): ExAC 0.00001; 1000 Genomes Project 30x 0.00016.
gnomAD v4.1: 6 of 1,605,658 alleles (0.00037%); highest among the groups gnomAD compares: African/African-American, 0.004%; no homozygotes.

Submissions (2):

Labcorp Genetics (formerly Invitae), Labcorp
Classification: Likely benign for Neuronopathy, distal hereditary motor, autosomal recessive 4; Charcot-Marie-Tooth disease recessive intermediate C. Last evaluated: 2023-09-19. Review status: criteria provided, single submitter. Criteria: Invitae Variant Classification Sherloc (09022015). Collection method: clinical testing. Allele origin: germline.

GeneDx
Classification: Likely benign. Last evaluated: 2017-03-19. Review status: criteria provided, single submitter. Criteria: GeneDx Variant Classification (06012015). Collection method: clinical testing. Allele origin: germline. Affected: yes.
Comment: This variant is considered likely benign or benign based on one or more of the following criteria: it is a conservative change, it occurs at a poorly conserved position in the protein, it is predicted to be benign by multiple in silico algorithms, and/or has population frequency not consistent with disease.

NM_020631.6(PLEKHG5):c.1215G>A (p.Val405=)

Gene: PLEKHG5 (pleckstrin homology and RhoGEF domain containing G5; minus strand). Cytogenetic location: 1p36.31.
Variant type: single nucleotide variant.
Coding change: c.1215G>A on transcript NM_020631.6 (MANE Select); coding-DNA position 1215, G replaced by A.
Protein change: p.Val405=; no amino-acid change (valine 405 retained).
Molecular consequence: synonymous variant.
Genome position (GRCh38, 1-based): chr1:6,471,554, C>T on the plus strand (G>A on the coding strand, the complement: PLEKHG5 is on the minus strand). VCF-style: chr1-6471554-C-T. GRCh37 (hg19) VCF-style: chr1-6531614-C-T.
Other names: c.1326G>A, p.Val442= (NM_001042663.3, NM_001265592.2); c.1215G>A, p.Val405= (NM_001042664.2, NM_001042665.2, NM_001265594.3 and 1 more transcripts); c.1422G>A, p.Val474= (NM_001265593.2).
Identifiers: ClinVar variation 517804 (VCV000517804.10), dbSNP rs757671338, ClinGen allele CA561601.